The following is an entry in ClinVar:

NM_024422.6(DSC2):c.1768T>A (p.Ser590Thr)

Gene: DSC2 (desmocollin 2; minus strand). Cytogenetic location: 18q12.1.
Variant type: single nucleotide variant.
Coding change: c.1768T>A on transcript NM_024422.6 (MANE Select); coding-DNA position 1768, T replaced by A.
Protein change: p.Ser590Thr; replaces serine 590 with threonine.
Molecular consequence: missense variant.
Genome position (GRCh38, 1-based): chr18:31,074,803, A>T on the plus strand (T>A on the coding strand, the complement: DSC2 is on the minus strand). VCF-style: chr18-31074803-A-T. GRCh37 (hg19) VCF-style: chr18-28654769-A-T.
Other names: c.1339T>A, p.Ser447Thr (NM_001406506.1, NM_001406507.1); c.1768T>A, p.Ser590Thr (NM_004949.5); short protein forms S447T, S590T.
Identifiers: ClinVar variation 3842526 (VCV003842526.1).

ClinVar aggregate classification (germline): Uncertain significance (1 of 4 stars; one submission).

Conditions:
Cardiovascular phenotype. Identifiers: MedGen CN230736.

Submission:

Ambry Genetics
Classification: Uncertain significance for Cardiovascular phenotype. Last evaluated: 2025-03-02. Review status: criteria provided, single submitter. Criteria: Ambry Variant Classification Scheme 2023. Collection method: clinical testing. Allele origin: germline.
Comment: The p.S590T variant (also known as c.1768T>A), located in coding exon 12 of the DSC2 gene, results from a T to A substitution at nucleotide position 1768. The serine at codon 590 is replaced by threonine, an amino acid with similar properties. This amino acid position is conserved. In addition, this alteration is predicted to be tolerated by in silico analysis. Based on the available evidence, the clinical significance of this variant remains unclear.